The following is an entry in ClinVar:

NM_014956.5(CEP164):c.2255G>A (p.Arg752Lys)

Gene: CEP164 (centrosomal protein 164; plus strand). Cytogenetic location: 11q23.3.
Variant type: single nucleotide variant.
Coding change: c.2255G>A on transcript NM_014956.5 (MANE Select); coding-DNA position 2255, G replaced by A.
Protein change: p.Arg752Lys; replaces arginine 752 with lysine.
Molecular consequence: missense variant.
Genome position (GRCh38, 1-based): chr11:117,391,187, G>A. VCF-style: chr11-117391187-G-A. GRCh37 (hg19) VCF-style: chr11-117261903-G-A.
Other names: c.2264G>A, p.Arg755Lys (NM_001271933.2); c.2255G>A (NM_014956.4); short protein forms R752K, R755K.
Identifiers: ClinVar variation 1054192 (VCV001054192.10), dbSNP rs753614257, ClinGen allele CA6295000.

ClinVar aggregate classification (germline): Conflicting classifications of pathogenicity. Review status: criteria provided, conflicting classifications (1 of 4 stars). 4 submissions from 4 submitters: Uncertain significance (2); Likely benign (2). Last evaluated 2026-07-14.

Conditions:
Inborn genetic diseases. Identifiers: MedGen C0950123, MeSH D030342.
Nephronophthisis 15 (NPHP15). Identifiers: Orphanet 3156, MedGen C3541853, MONDO:0013917, OMIM 614845.

Allele frequency attached by ClinVar (database versions not stated): gnomAD exomes 0.00011 and 0.00017; gnomAD 0.00009; ExAC 0.00016.
gnomAD v4.1: 172 of 1,611,996 alleles (0.011%); highest among the groups gnomAD compares: South Asian, 0.15%; 2 homozygotes.

Submissions (4):

Ambry Genetics
Classification: Uncertain significance for Inborn genetic diseases. Last evaluated: 2026-07-14. Review status: criteria provided, single submitter. Criteria: Ambry Variant Classification Scheme 2023. Collection method: clinical testing. Allele origin: germline.

Centre for Medical Genetics,  Mumbai
Classification: Likely benign for Nephronophthisis 15. Last evaluated: 2026-05-06. Review status: criteria provided, single submitter. Criteria: ACMG Guidelines, 2015. Collection method: provider interpretation. Allele origin: germline. Inheritance: Autosomal recessive inheritance. Affected: no. Observed: 1 variant allele, 1 homozygote.
Comment: The variant satisfies PM2 criteria - extremely low frequency in gnomAD population databases. The variant satisfies BS2 criteria - was observed in a homozygous state in population databases more than expected for disease. The variant satisfies BP4 criteria - for a missense or a splice region variant, computational prediction tools unanimously support a benign effect on the gene. However, it satisfies BS2 criteria - present in homozygous state in an individual that clinically does not have Nephronophthisis.

Labcorp Genetics (formerly Invitae), Labcorp
Classification: Uncertain significance for Nephronophthisis 15. Last evaluated: 2025-12-17. Review status: criteria provided, single submitter. Criteria: Invitae Variant Classification Sherloc (09022015). Collection method: clinical testing. Allele origin: germline.
Comment: This sequence change replaces arginine, which is basic and polar, with lysine, which is basic and polar, at codon 752 of the CEP164 protein (p.Arg752Lys). This variant is present in population databases (rs753614257, gnomAD 0.1%). This variant has not been reported in the literature in individuals affected with CEP164-related conditions. ClinVar contains an entry for this variant (Variation ID: 1054192). Invitae Evidence Modeling of protein sequence and biophysical properties (such as structural, functional, and spatial information, amino acid conservation, physicochemical variation, residue mobility, and thermodynamic stability) indicates that this missense variant is not expected to disrupt CEP164 protein function with a negative predictive value of 80%. In summary, the available evidence is currently insufficient to determine the role of this variant in disease. Therefore, it has been classified as a Variant of Uncertain Significance.

Blueprint Genetics
Classification: Likely benign. Last evaluated: 2024-07-30. Review status: criteria provided, single submitter. Criteria: ACMG Guidelines, 2015. Collection method: clinical testing. Allele origin: germline.

Literature cited by the submitters: PubMed 22863007 (cited by Centre for Medical Genetics,  Mumbai).